The following is an entry in ClinVar:

ClinVar aggregate classification (germline): Uncertain significance (1 of 4 stars; one submission).

Allele frequency attached by ClinVar (database versions not stated): gnomAD exomes below 0.00001; TOPMed below 0.00001; gnomAD 0.00001.
gnomAD v4.1: 2 of 1,612,502 alleles (0.00012%); highest among the groups gnomAD compares: Non-Finnish European, 0.00017%; no homozygotes.

Submission:

Labcorp Genetics (formerly Invitae), Labcorp
Classification: Uncertain significance. Last evaluated: 2021-10-25. Review status: criteria provided, single submitter. Criteria: Invitae Variant Classification Sherloc (09022015). Collection method: clinical testing. Allele origin: germline.
Comment: In summary, the available evidence is currently insufficient to determine the role of this variant in disease. Therefore, it has been classified as a Variant of Uncertain Significance. Algorithms developed to predict the effect of missense changes on protein structure and function (SIFT, PolyPhen-2, Align-GVGD) all suggest that this variant is likely to be tolerated. This variant has not been reported in the literature in individuals affected with PIGP-related conditions. This variant is not present in population databases (ExAC no frequency). This sequence change replaces asparagine with aspartic acid at codon 117 of the PIGP protein (p.Asn117Asp). The asparagine residue is moderately conserved and there is a small physicochemical difference between asparagine and aspartic acid.

NM_153682.3(PIGP):c.277A>G (p.Asn93Asp)

Gene: PIGP (phosphatidylinositol glycan anchor biosynthesis class P; minus strand). Cytogenetic location: 21q22.13.
Variant type: single nucleotide variant.
Coding change: c.277A>G on transcript NM_153682.3 (MANE Select); coding-DNA position 277, A replaced by G.
Protein change: p.Asn93Asp; replaces asparagine 93 with aspartic acid.
Molecular consequence: missense variant.
Genome position (GRCh38, 1-based): chr21:37,065,710, T>C on the plus strand (A>G on the coding strand, the complement: PIGP is on the minus strand). VCF-style: chr21-37065710-T-C. GRCh37 (hg19) VCF-style: chr21-38438010-T-C.
Other names: c.349A>G, p.Asn117Asp (NM_153681.2); c.277A>G, p.Asn93Asp (NM_001320480.2); c.199A>G, p.Asn67Asp (NM_016430.4); short protein forms N117D, N67D, N93D.
Identifiers: ClinVar variation 1347145 (VCV001347145.6), dbSNP rs2069891218, ClinGen allele CA409918588.
Genomic context (GRCh38, chr21:37,065,710, plus strand): 5'-CTCTTAAGGCTGGAATGGCCTCCTCTTGGTATTTCTTCTGCTGTTGATTTTTTGCATAGT[T>C]ATCTGTAAGAAAAGACCAAAAAGCTCTGTTTACCTAAGCAATTTCTTCTACAGTCTCTGT-3'
Protein context (NP_710149.1, residues 83-103): PLDSIHTITD[Asn93Asp]YAKNQQQKKY